The following is an entry in ClinVar:

NM_004187.5(KDM5C):c.4507G>A (p.Gly1503Arg)

Gene: KDM5C (lysine demethylase 5C; minus strand). Cytogenetic location: Xp11.22.
Variant type: single nucleotide variant.
Coding change: c.4507G>A on transcript NM_004187.5 (MANE Select); coding-DNA position 4507, G replaced by A.
Protein change: p.Gly1503Arg; replaces glycine 1503 with arginine.
Molecular consequence: missense variant. On other transcripts: intron variant (5).
Genome position (GRCh38, 1-based): chrX:53,193,143, C>T on the plus strand (G>A on the coding strand, the complement: KDM5C is on the minus strand). VCF-style: chrX-53193143-C-T. GRCh37 (hg19) VCF-style: chrX-53222325-C-T.
Other names: c.4504G>A, p.Gly1502Arg (NM_001282622.3); c.4498G>A, p.Gly1500Arg (NM_001353978.3); c.4305+294G>A (NM_001353982.2); c.4314+294G>A (NM_001353979.2); c.4308+294G>A (NM_001353981.2, NM_001353984.2); c.4047-306G>A (NM_001146702.2); short protein forms G1500R, G1502R, G1503R.
Identifiers: ClinVar variation 1304192 (VCV001304192.5), dbSNP rs2146812137, ClinGen allele CA413102622.
Genomic context (GRCh38, chrX:53,193,143, plus strand): 5'-GGTTCTCCTGGGTGCTGGGGCTGCCAGTGGTGGGGATGGGTGCAGGGGGGCCCTCACCCC[C>T]AGTCTCCTCCTCCAGCTCTTCCTCCTCCTGGACCTCCTCAGCCTCTGGCCCTGAGCTCCG-3'
Protein context (NP_004178.2, residues 1493-1513): QEEEELEEET[Gly1503Arg]GEGPPAPIPT

ClinVar aggregate classification (germline): Uncertain significance. Review status: criteria provided, multiple submitters, no conflicts (2 of 4 stars). 2 submissions from 2 submitters: Uncertain significance (2). Last evaluated 2024-03-04.

Conditions:
Spastic paraplegia. Identifiers: MedGen C0037772, HP:0001258.

Submissions (2):

Labcorp Genetics (formerly Invitae), Labcorp
Classification: Uncertain significance for Spastic paraplegia. Last evaluated: 2024-03-04. Review status: criteria provided, single submitter. Criteria: Invitae Variant Classification Sherloc (09022015). Collection method: clinical testing. Allele origin: germline.
Comment: This sequence change replaces glycine, which is neutral and non-polar, with arginine, which is basic and polar, at codon 1503 of the KDM5C protein (p.Gly1503Arg). This variant is not present in population databases (gnomAD no frequency). This variant has not been reported in the literature in individuals affected with KDM5C-related conditions. ClinVar contains an entry for this variant (Variation ID: 1304192). Advanced modeling of protein sequence and biophysical properties (such as structural, functional, and spatial information, amino acid conservation, physicochemical variation, residue mobility, and thermodynamic stability) performed at Invitae indicates that this missense variant is not expected to disrupt KDM5C protein function with a negative predictive value of 95%. In summary, the available evidence is currently insufficient to determine the role of this variant in disease. Therefore, it has been classified as a Variant of Uncertain Significance.

GeneDx
Classification: Uncertain significance. Last evaluated: 2020-12-11. Review status: criteria provided, single submitter. Criteria: GeneDx Variant Classification Process June 2021. Collection method: clinical testing. Allele origin: germline. Affected: yes.
Comment: Not observed in large population cohorts (Lek et al., 2016); In silico analysis supports that this missense variant does not alter protein structure/function; Has not been previously published as pathogenic or benign to our knowledge